The following is an entry in ClinVar:

NM_006610.4(MASP2):c.931G>A (p.Val311Ile)

Gene: MASP2 (MBL associated serine protease 2; minus strand). Cytogenetic location: 1p36.22.
Variant type: single nucleotide variant.
Coding change: c.931G>A on transcript NM_006610.4 (MANE Select); coding-DNA position 931, G replaced by A.
Protein change: p.Val311Ile; replaces valine 311 with isoleucine.
Molecular consequence: missense variant.
Genome position (GRCh38, 1-based): chr1:11,037,770, C>T on the plus strand (G>A on the coding strand, the complement: MASP2 is on the minus strand). VCF-style: chr1-11037770-C-T. GRCh37 (hg19) VCF-style: chr1-11097827-C-T.
Other names: short protein forms V311I.
Identifiers: ClinVar variation 2635890 (VCV002635890.3), dbSNP rs72550866, ClinGen allele CA586874.

ClinVar aggregate classification (germline): Conflicting classifications of pathogenicity. Review status: criteria provided, conflicting classifications (1 of 4 stars). 2 submissions from 2 submitters: Uncertain significance (1); Likely benign (1). Last evaluated 2025-08-21.

Conditions:
MASP2-related disorder. Also called: MASP2-related condition.

Allele frequency attached by ClinVar (database versions not stated): gnomAD exomes 0.00005; ExAC 0.00011; gnomAD 0.00013; TOPMed 0.00015; ESP Exome Variant Server 0.00023; 1000 Genomes Project 0.00040; 1000 Genomes Project 30x 0.00047.
gnomAD v4.1: 101 of 1,612,952 alleles (0.0063%); highest among the groups gnomAD compares: Admixed American, 0.023%; no homozygotes.

Submissions (2):

Ambry Genetics
Classification: Likely benign. Last evaluated: 2025-08-21. Review status: criteria provided, single submitter. Criteria: Ambry Variant Classification Scheme 2023. Collection method: clinical testing. Allele origin: germline.

PreventionGenetics, part of Exact Sciences
Classification: Uncertain significance for MASP2-related condition. Last evaluated: 2024-10-11. Review status: criteria provided, single submitter. Criteria: ACMG Guidelines, 2015. Collection method: clinical testing. Allele origin: germline.
Comment: The MASP2 c.931G>A variant is predicted to result in the amino acid substitution p.Val311Ile. To our knowledge, this variant has not been reported in the literature. This variant is reported in 0.012% of alleles in individuals of African descent in gnomAD. At this time, the clinical significance of this variant is uncertain due to the absence of conclusive functional and genetic evidence.